The following is an entry in ClinVar:

ClinVar aggregate classification (germline): Conflicting classifications of pathogenicity. Review status: criteria provided, conflicting classifications (1 of 4 stars). 17 submissions from 17 submitters: Uncertain significance (14); Likely benign (2). 1 of the submissions does not count toward it. Last evaluated 2026-05-15.

Conditions:
PALB2-related disorder. Also called: PALB2-related disorders; PALB2-related condition.
Breast-ovarian cancer, familial, susceptibility to, 5 (BROVCA5). Identifiers: MedGen C5830615, MONDO:0957530, OMIM 620442.
Hereditary cancer-predisposing syndrome. Also called: Tumor predisposition; Hereditary Cancer Syndrome; Neoplastic Syndromes, Hereditary; Hereditary neoplastic syndrome. Identifiers: Orphanet 140162, MedGen C0027672, MeSH D009386, MONDO:0015356.
Pancreatic cancer, susceptibility to, 3. Identifiers: Orphanet 1333, MedGen C3150547, MONDO:0013236, OMIM 613348.
Fanconi anemia complementation group N. Also called: PALB2-Related Fanconi Anemia. Identifiers: Orphanet 84, MedGen C1835817, MONDO:0012565, OMIM 610832. Disease mechanism: loss of function.
Familial cancer of breast. Also called: hereditary breast carcinoma; BREAST CANCER, FAMILIAL; Hereditary breast cancer. Identifiers: Orphanet 227535, MedGen C0346153, MONDO:0016419, OMIM 114480. Disease mechanism: loss of function.

Allele frequency attached by ClinVar (database versions not stated): gnomAD exomes 0.00001; TOPMed 0.00005; gnomAD 0.00007 and 0.00008.

Submissions 1 to 8 of 17:

Women's Health and Genetics/Laboratory Corporation of America, LabCorp
Classification: Uncertain significance. Last evaluated: 2026-05-15. Review status: criteria provided, single submitter. Criteria: LabCorp Variant Classification Summary - May 2015. Collection method: clinical testing. Allele origin: germline.
Comment: Variant summary: PALB2 c.2201C>A (p.Thr734Asn) results in a non-conservative amino acid change in the encoded protein sequence. Algorithms developed to predict the effect of missense changes on protein structure and function are either unavailable or do not agree on the potential impact of this missense change. The variant allele was found at a frequency of 1.2e-05 in 251490 control chromosomes, predominantly at a frequency of 5.8e-05 within the Latino subpopulation in the gnomAD database. The available data on variant occurrences in the general population are insufficient to allow any conclusion about variant significance. c.2201C>A has been reported in the literature in one unspecified individual affected with Breast Cancer (Gonzalez_2022). A large case-control study evaluating breast cancer genetic risk also reported this variant was present in both the case and the control cohorts (Dorling_2021). These reports do not provide unequivocal conclusions about association of the variant with disease. To our knowledge, no experimental evidence demonstrating an impact on protein function has been reported. The following publications have been ascertained in the context of this evaluation (PMID: 41488399, 33471991, 35610400, 39251783). ClinVar contains an entry for this variant (Variation ID: 241541). Based on the evidence outlined above, the variant was classified as uncertain significance.

Labcorp Genetics (formerly Invitae), Labcorp
Classification: Uncertain significance for Familial cancer of breast. Last evaluated: 2026-01-07. Review status: criteria provided, single submitter. Criteria: Invitae Variant Classification Sherloc (09022015). Collection method: clinical testing. Allele origin: germline.
Comment: This sequence change replaces threonine, which is neutral and polar, with asparagine, which is neutral and polar, at codon 734 of the PALB2 protein (p.Thr734Asn). This variant is present in population databases (no rsID available, gnomAD 0.006%). This missense change has been observed in individual(s) with breast and/or ovarian cancer, thyroid cancer or clinical features of Lynch syndrome (PMID: 25980754, 32885271, 35610400, 38061684, 39251783). ClinVar contains an entry for this variant (Variation ID: 241541). Invitae Evidence Modeling of protein sequence and biophysical properties (such as structural, functional, and spatial information, amino acid conservation, physicochemical variation, residue mobility, and thermodynamic stability) indicates that this missense variant is expected to disrupt PALB2 protein function with a positive predictive value of 80%. In summary, the available evidence is currently insufficient to determine the role of this variant in disease. Therefore, it has been classified as a Variant of Uncertain Significance.

GeneDx
Classification: Uncertain significance. Last evaluated: 2025-08-29. Review status: criteria provided, single submitter. Criteria: GeneDx Variant Classification Process June 2021. Collection method: clinical testing. Allele origin: germline. Affected: yes.
Comment: Observed in individuals with personal or family history of breast or ovarian cancer, in an individual who had a history of Lynch syndrome-associated cancer and/or polyps, and in a family with non-medullary thyroid cancer (PMID: 25980754, 32885271, 35610400, 38061684, 39251783); Not observed at significant frequency in large population cohorts (gnomAD); In silico analysis supports that this missense variant has a deleterious effect on protein structure/function; This variant is associated with the following publications: (PMID: 28873162, 28069802, 25980754, 22941656, 32885271, 35610400, 38061684, 39251783)

Quest Diagnostics Nichols Institute San Juan Capistrano
Classification: Uncertain significance. Last evaluated: 2025-06-18. Review status: criteria provided, single submitter. Criteria: Quest Diagnostics criteria. Collection method: clinical testing. Allele origin: unknown.
Comment: The PALB2 c.2201C>A (p.Thr734Asn) variant has been reported in the published literature in individuals with a Lynch syndrome associated cancer and/or polyps (PMID: 25980754 (2015)), nonmedullary thyroid cancer (PMID: 39251783 (2024)), an unspecified advanced cancer (PMID: 28873162 (2017)), and breast cancer (PMID: 32885271 (2021), 33471991 (2021), 35610400 (2022), see also LOVD). This variant has also been identified in a reportedly healthy individual (PMID: 33471991 (2021), see also LOVD)). The frequency of this variant in the general population (Genome Aggregation Database) is uninformative in the assessment of its pathogenicity. Analysis of this variant using bioinformatics tools for the prediction of the effect of amino acid changes on protein structure and function yielded conflicting predictions that this variant is benign or damaging. Based on the available information, we are unable to determine the clinical significance of this variant.

PreventionGenetics, part of Exact Sciences
Classification: Uncertain significance for PALB2-related condition. Last evaluated: 2025-01-29. Review status: criteria provided, single submitter. Criteria: ACMG Guidelines, 2015. Collection method: clinical testing. Allele origin: germline.
Comment: The PALB2 c.2201C>A variant is predicted to result in the amino acid substitution p.Thr734Asn. This variant has been reported in individuals with breast and/or ovarian cancer and in an individual with suspected Lynch syndrome (see, for example, Supplementary Material S1, Gonzalez et al. 2022. PubMed ID: 35610400; Table S2, Yurgelun et al. 2015. PubMed ID: 25980754; Supplementary data, Dorling et al. 2021. PubMed ID: 33471991). It has also been observed in controls (Supplementary data, Dorling et al. 2021. PubMed ID: 33471991). This variant is reported in 0.0058% of alleles in individuals of Latino descent in gnomAD. It is interpreted as uncertain or likely benign in ClinVar. At this time, the clinical significance of this variant is uncertain due to the absence of conclusive functional and genetic evidence.

Ambry Genetics
Classification: Uncertain significance for Hereditary cancer-predisposing syndrome. Last evaluated: 2024-08-19. Review status: criteria provided, single submitter. Criteria: Ambry Variant Classification Scheme 2023. Collection method: clinical testing. Allele origin: germline.
Comment: The p.T734N variant (also known as c.2201C>A), located in coding exon 5 of the PALB2 gene, results from a C to A substitution at nucleotide position 2201. The threonine at codon 734 is replaced by asparagine, an amino acid with similar properties. This alteration was identified in a cohort of 1040 patients with advanced cancer; however, specific clinical information on this individual was not provided (Mandelker D et al. JAMA, 2017 09;318:825-835). This variant was also observed in 1/3251 individuals who met eligibility criteria for hereditary breast and ovarian cancer syndrome (Lerner-Ellis J et al. J Cancer Res Clin Oncol, 2021 Mar;147:871-879), and was detected in a cohort of 1905 Argentinian patients meeting criteria for hereditary breast-ovarian cancer testing (Gonzalez A et al. Breast Cancer Res Treat, 2022 Jul;194:403-412). This amino acid position is highly conserved in available vertebrate species. In addition, this alteration is predicted to be tolerated by in silico analysis. Based on the available evidence, the clinical significance of this variant remains unclear.

Baylor Genetics
Classification: Uncertain significance for Familial cancer of breast. Last evaluated: 2024-02-28. Review status: criteria provided, single submitter. Criteria: ACMG Guidelines, 2015. Collection method: clinical testing. Allele origin: unknown.

Color Diagnostics, LLC DBA Color Health
Classification: Uncertain significance for Hereditary cancer-predisposing syndrome. Last evaluated: 2023-04-17. Review status: criteria provided, single submitter. Criteria: ACMG Guidelines, 2015. Collection method: clinical testing. Allele origin: germline.
Comment: This missense variant replaces threonine with asparagine at codon 734 of the PALB2 protein. Computational prediction suggests that this variant may not impact protein structure and function (internally defined REVEL score threshold <= 0.5, PMID: 27666373). To our knowledge, functional studies have not been reported for this variant. This variant has been detected in a breast cancer case-control meta-analysis in 3/60466 cases and 1/53461 unaffected individuals (PMID: 33471991; Leiden Open Variation Database DB-ID PALB2_010925) and in one individual each suspected of having Lynch syndrome (PMID: 25980754) and affected with breast cancer (PMID: 32885271) and unspecified cancer (PMID: 28873162). This variant has been identified in 3/251490 chromosomes in the general population by the Genome Aggregation Database (gnomAD). The available evidence is insufficient to determine the role of this variant in disease conclusively. Therefore, this variant is classified as a Variant of Uncertain Significance.

NM_024675.4(PALB2):c.2201C>A (p.Thr734Asn)

Gene: PALB2 (partner and localizer of BRCA2; minus strand). Cytogenetic location: 16p12.2.
Variant type: single nucleotide variant.
Coding change: c.2201C>A on transcript NM_024675.4 (MANE Select); coding-DNA position 2201, C replaced by A.
Protein change: p.Thr734Asn; replaces threonine 734 with asparagine.
Molecular consequence: missense variant.
Genome position (GRCh38, 1-based): chr16:23,629,953, G>T on the plus strand (C>A on the coding strand, the complement: PALB2 is on the minus strand). VCF-style: chr16-23629953-G-T. GRCh37 (hg19) VCF-style: chr16-23641274-G-T.
Other names: p.Thr734Asn; short protein forms T734N.
Identifiers: ClinVar variation 241541 (VCV000241541.79), dbSNP rs878855107, ClinGen allele CA10583365.
Genomic context (GRCh38, chr16:23,629,953, plus strand): 5'-GTTCGTCCAGCAACTTCTGTAGATGCTTTTTCATAGGAGCCTTGAGGGCCAAAGGCTGGA[G>T]TAGTACCTAAGATGGGGAAAGCAGGTGAACACATGTCTGTGGTAGGCCTGTCATTATCAT-3'
Protein context (NP_078951.2, residues 724-744): CSPAFPILGT[Thr734Asn]PAFGPQGSYE